The following is an entry in ClinVar:

ClinVar aggregate classification (germline): Uncertain significance (1 of 4 stars; one submission).

Submission:

GeneDx
Classification: Uncertain significance. Last evaluated: 2025-08-05. Review status: criteria provided, single submitter. Criteria: GeneDx Variant Classification Process June 2021. Collection method: clinical testing. Allele origin: germline. Affected: yes.
Comment: Frameshift variant predicted to result in protein truncation or nonsense mediated decay in a gene for which loss of function is a known mechanism of disease; Has not been previously published as pathogenic or benign to our knowledge

NM_001395159.1(UNC79):c.6025dup (p.His2009fs)

Gene: UNC79 (unc-79 subunit of NALCN channel complex; plus strand). Cytogenetic location: 14q32.12.
Variant type: Duplication.
Coding change: c.6025dup on transcript NM_001395159.1 (MANE Select); coding-DNA position 6025, one base duplicated (C; older notation c.6025dupC).
Protein change: p.His2009fs; shifts the reading frame from histidine 2009.
Molecular consequence: frameshift variant.
Genome position (GRCh38, 1-based): chr14:93,634,613, C duplicated; the last of 6 consecutive C bases (chr14:93,634,608-93,634,613); duplicating any one gives the same sequence. VCF-style (leftmost placement, unchanged base first): chr14-93634607-G-GC. GRCh37 (hg19) VCF-style: chr14-94100953-G-GC.
Other names: c.5959dup, p.His1987fs (NM_001346218.2); c.5278dup, p.His1760fs (NM_020818.5); short protein forms H1760fs, H1987fs, H2009fs.
Identifiers: ClinVar variation 4755957 (VCV004755957.1).